The following is an entry in ClinVar:

NM_001321075.3(DLG4):c.1512dup (p.Lys505fs)

Gene: DLG4 (discs large MAGUK scaffold protein 4; minus strand). Cytogenetic location: 17p13.1.
Variant type: Duplication.
Coding change: c.1512dup on transcript NM_001321075.3 (MANE Select); coding-DNA position 1512, one base duplicated (C; older notation c.1512dupC).
Protein change: p.Lys505fs; shifts the reading frame from lysine 505.
Molecular consequence: frameshift variant. On other transcripts: non-coding transcript variant (1).
Genome position (GRCh38, 1-based): chr17:7,193,967, G duplicated on the plus strand (C on the coding strand, the reverse complement: DLG4 is on the minus strand); the first of 2 consecutive G bases (chr17:7,193,967-7,193,968); duplicating either gives the same sequence. VCF-style (leftmost placement, unchanged base first): chr17-7193966-T-TG. GRCh37 (hg19) VCF-style: chr17-7097285-T-TG.
Other names: c.1641dupC (NM_001365.4); c.1503dup, p.Lys502fs (NM_001128827.4); c.1632dup, p.Lys545fs (NM_001321074.1); c.1332dup, p.Lys445fs (NM_001321076.3, NM_001321077.3); c.1640dup, p.Lys548Glnfs (NM_001365.5); c.1431dup, p.Lys478fs (NM_001369566.3); short protein forms K445fs, K478fs, K502fs, K505fs, K545fs, K548fs.
Identifiers: ClinVar variation 1805263 (VCV001805263.1), dbSNP rs2507926129, ClinGen allele CA2573050730.

ClinVar aggregate classification (germline): Pathogenic (1 of 4 stars; one submission).

Conditions:
Intellectual developmental disorder 62. Also called: MENTAL RETARDATION, AUTOSOMAL DOMINANT 62; INTELLECTUAL DEVELOPMENTAL DISORDER, AUTOSOMAL DOMINANT 62. Identifiers: MedGen C5394083, MONDO:0032919, OMIM 618793.

Submission:

Victorian Clinical Genetics Services, Murdoch Childrens Research Institute
Classification: Pathogenic for Intellectual developmental disorder 62. Last evaluated: 2022-02-02. Review status: criteria provided, single submitter. Criteria: ACMG Guidelines, 2015. Collection method: clinical testing. Allele origin: germline. Inheritance: Autosomal dominant inheritance.
Comment: Based on the classification scheme VCGS_Germline_v1.3.4, this variant is classified as Pathogenic. Following criteria are met: 0102 - Loss of function is a known mechanism of disease in this gene and is associated with intellectual developmental disorder 62 (MIM#618793). (I) 0107 - This gene is associated with autosomal dominant disease. (I) 0201 - Variant is predicted to cause nonsense-mediated decay (NMD) and loss of protein (premature termination codon is located at least 54 nucleotides upstream of the final exon-exon junction). (SP) 0251 - This variant is heterozygous. (I) 0301 - Variant is absent from gnomAD (both v2 and v3). (SP) 0701 - Other NMD predicted variants comparable to the one identified in this case have very strong previous evidence for pathogenicity (ClinVar, DECIPHER). (SP) 0807 - This variant has no previous evidence of pathogenicity. (I) 0905 - No published segregation evidence has been identified for this variant. (I) 1007 - No published functional evidence has been identified for this variant. (SP) Legend: (SP) - Supporting pathogenic, (I) - Information, (SB) - Supporting benign